The following is an entry in ClinVar:

NM_017654.4(SAMD9):c.3436G>C (p.Val1146Leu)

Gene: SAMD9 (sterile alpha motif domain containing 9; minus strand). Cytogenetic location: 7q21.2.
Variant type: single nucleotide variant.
Coding change: c.3436G>C on transcript NM_017654.4 (MANE Select); coding-DNA position 3436, G replaced by C.
Protein change: p.Val1146Leu; replaces valine 1146 with leucine.
Molecular consequence: missense variant.
Genome position (GRCh38, 1-based): chr7:93,102,662, C>G on the plus strand (G>C on the coding strand, the complement: SAMD9 is on the minus strand). VCF-style: chr7-93102662-C-G. GRCh37 (hg19) VCF-style: chr7-92731975-C-G.
Other names: c.3436G>C, p.Val1146Leu (NM_001193307.2); short protein forms V1146L.
Identifiers: ClinVar variation 3791913 (VCV003791913.2).

ClinVar aggregate classification (germline): Uncertain significance. Review status: criteria provided, multiple submitters, no conflicts (2 of 4 stars). 2 submissions from 2 submitters: Uncertain significance (2). Last evaluated 2025-07-23.

Conditions:
Inborn genetic diseases. Identifiers: MedGen C0950123, MeSH D030342.

gnomAD v4.1: 6 of 1,613,874 alleles (0.00037%); highest among the groups gnomAD compares: Non-Finnish European, 0.00042%; no homozygotes.

Submissions (2):

Labcorp Genetics (formerly Invitae), Labcorp
Classification: Uncertain significance. Last evaluated: 2025-07-23. Review status: criteria provided, single submitter. Criteria: Invitae Variant Classification Sherloc (09022015). Collection method: clinical testing. Allele origin: germline.
Comment: This sequence change replaces valine, which is neutral and non-polar, with leucine, which is neutral and non-polar, at codon 1146 of the SAMD9 protein (p.Val1146Leu). This variant is not present in population databases (gnomAD no frequency). This variant has not been reported in the literature in individuals affected with SAMD9-related conditions. ClinVar contains an entry for this variant (Variation ID: 3791913). Invitae Evidence Modeling of protein sequence and biophysical properties (such as structural, functional, and spatial information, amino acid conservation, physicochemical variation, residue mobility, and thermodynamic stability) indicates that this missense variant is not expected to disrupt SAMD9 protein function with a negative predictive value of 95%. In summary, the available evidence is currently insufficient to determine the role of this variant in disease. Therefore, it has been classified as a Variant of Uncertain Significance.

Ambry Genetics
Classification: Uncertain significance for Inborn genetic diseases. Last evaluated: 2024-12-15. Review status: criteria provided, single submitter. Criteria: Ambry Variant Classification Scheme 2023. Collection method: clinical testing. Allele origin: germline.
Comment: The p.V1146L variant (also known as c.3436G>C), located in coding exon 1 of the SAMD9 gene, results from a G to C substitution at nucleotide position 3436. The valine at codon 1146 is replaced by leucine, an amino acid with highly similar properties. This amino acid position is conserved. In addition, this alteration is predicted to be tolerated by in silico analysis. Based on the available evidence, the clinical significance of this variant remains unclear.